The following is an entry in ClinVar:

NM_001267550.2(TTN):c.89410G>A (p.Val29804Ile)

Genes: TTN (titin; minus strand), TTN-AS1 (TTN antisense RNA 1; plus strand). Cytogenetic location: 2q31.2.
Variant type: single nucleotide variant.
Coding change: c.89410G>A on transcript NM_001267550.2 (MANE Select); coding-DNA position 89410, G replaced by A.
Protein change: p.Val29804Ile; replaces valine 29804 with isoleucine.
Molecular consequence: missense variant.
Genome position (GRCh38, 1-based): chr2:178,553,595, C>T on the plus strand (G>A on the coding strand, the complement: TTN is on the minus strand). VCF-style: chr2-178553595-C-T. GRCh37 (hg19) VCF-style: chr2-179418322-C-T.
Other names: c.84487G>A, p.Val28163Ile (NM_001256850.1); c.62215G>A, p.Val20739Ile (NM_003319.4); c.81706G>A, p.Val27236Ile (NM_133378.4); c.62590G>A, p.Val20864Ile (NM_133432.3); c.62791G>A, p.Val20931Ile (NM_133437.4); short protein forms V20864I, V27236I, V20931I, V28163I, V29804I, V20739I.
Identifiers: ClinVar variation 894200 (VCV000894200.4), dbSNP rs747784568, ClinGen allele CA1987933.

ClinVar aggregate classification (germline): Conflicting classifications of pathogenicity. Review status: criteria provided, conflicting classifications (1 of 4 stars). 5 submissions from 1 submitter: Uncertain significance (3); Benign (2). Last evaluated 2018-01-13.

Conditions:
Early-onset myopathy with fatal cardiomyopathy (CMYO5). Also called: CONGENITAL MYOPATHY 5 WITH CARDIOMYOPATHY; Salih Myopathy. Identifiers: Orphanet 289377, MedGen C2673677, MONDO:0012714, OMIM 611705. Disease mechanism: loss of function.
Autosomal recessive limb-girdle muscular dystrophy type 2J (LGMDR10). Also called: Limb-girdle muscular dystrophy, type 2J; MUSCULAR DYSTROPHY, LIMB-GIRDLE, AUTOSOMAL RECESSIVE 10. Identifiers: Orphanet 140922, MedGen C1837342, MONDO:0012127, OMIM 608807.
Dilated cardiomyopathy 1G (CMD1G). Identifiers: Orphanet 154, MedGen C1858763, MONDO:0011400, OMIM 604145.
Myopathy, myofibrillar, 9, with early respiratory failure (MFM9). Also called: EDSTROM MYOPATHY; MYOPATHY, PROXIMAL, WITH EARLY RESPIRATORY MUSCLE INVOLVEMENT; Myopathy, distal, with early respiratory failure, autosomal dominant; Hereditary myopathy with early respiratory failure. Identifiers: Orphanet 178464, Orphanet 34521, MedGen C1863599, MONDO:0011362, OMIM 603689.
Tibial muscular dystrophy (TMD). Also called: Tibial muscular dystrophy, tardive; UDD MYOPATHY; Udd Distal Myopathy – Tibial Muscular Dystrophy. Identifiers: Orphanet 609, MedGen C1838244, MONDO:0010870, OMIM 600334.

Allele frequency attached by ClinVar (database versions not stated): ExAC 0.00002; gnomAD exomes 0.00002.
gnomAD v4.1: 25 of 1,613,864 alleles (0.0015%); highest among the groups gnomAD compares: South Asian, 0.025%; no homozygotes.

Submissions (5):

Illumina Laboratory Services, Illumina
Classification: Uncertain significance for Early-onset myopathy with fatal cardiomyopathy. Last evaluated: 2018-01-13. Review status: criteria provided, single submitter. Criteria: ICSL Variant Classification Criteria 13 December 2019. Collection method: clinical testing. Allele origin: germline.

Illumina Laboratory Services, Illumina
Classification: Benign for Myopathy, myofibrillar, 9, with early respiratory failure. Last evaluated: 2018-01-13. Review status: criteria provided, single submitter. Criteria: ICSL Variant Classification Criteria 13 December 2019. Collection method: clinical testing. Allele origin: germline.
Comment: This variant was observed in the ICSL laboratory as part of a predisposition screen in an ostensibly healthy population. It had not been previously curated by ICSL or reported in the Human Gene Mutation Database (HGMD: prior to June 1st, 2018), and was therefore a candidate for classification through an automated scoring system. Utilizing variant allele frequency, disease prevalence and penetrance estimates, and inheritance mode, an automated score was calculated to assess if this variant is too frequent to cause the disease. Based on the score and internal cut-off values, a variant classified as benign is not then subjected to further curation. The score for this variant resulted in a classification of benign for this disease.

Illumina Laboratory Services, Illumina
Classification: Uncertain significance for Dilated cardiomyopathy 1G. Last evaluated: 2018-01-13. Review status: criteria provided, single submitter. Criteria: ICSL Variant Classification Criteria 13 December 2019. Collection method: clinical testing. Allele origin: germline.

Illumina Laboratory Services, Illumina
Classification: Benign for Tibial muscular dystrophy. Last evaluated: 2018-01-13. Review status: criteria provided, single submitter. Criteria: ICSL Variant Classification Criteria 13 December 2019. Collection method: clinical testing. Allele origin: germline.
Comment: the same text as in the submission from Illumina Laboratory Services, Illumina above.

Illumina Laboratory Services, Illumina
Classification: Uncertain significance for Autosomal recessive limb-girdle muscular dystrophy type 2J. Last evaluated: 2018-01-13. Review status: criteria provided, single submitter. Criteria: ICSL Variant Classification Criteria 13 December 2019. Collection method: clinical testing. Allele origin: germline.